The following is an entry in ClinVar:

ClinVar aggregate classification (germline): Uncertain significance (1 of 4 stars; one submission).

Conditions:
Pheochromocytoma. Also called: MAX-Related Hereditary Paraganglioma-Pheochromocytoma Syndrome. Identifiers: Orphanet 29072, MedGen C0031511, MONDO:0008233, OMIM 171300, HP:0002666.
Pheochromocytoma/paraganglioma syndrome 4. Also called: SDHB-Related Hereditary Paraganglioma-Pheochromocytoma Syndrome (Paragangliomas 4); CAROTID BODY TUMORS AND MULTIPLE EXTRAADRENAL PHEOCHROMOCYTOMAS; PARAGANGLIOMA, FAMILIAL MALIGNANT; PARAGANGLIOMAS, HEREDITARY EXTRAADRENAL; SDHB-Related Hereditary Paraganglioma-Pheochromocytoma Syndrome; PHEOCHROMOCYTOMA, FAMILIAL EXTRAADRENAL. Identifiers: Orphanet 29072, MedGen C1861848, MONDO:0007273, OMIM 115310.
Gastrointestinal stromal tumor. Also called: Gastrointestinal stroma tumor; Gastrointestinal stromal tumor, somatic. Identifiers: Orphanet 44890, MedGen C0238198, MeSH D046152, MONDO:0011719, OMIM 606764, HP:0100723.

Submission:

Labcorp Genetics (formerly Invitae), Labcorp
Classification: Uncertain significance for Gastrointestinal stromal tumor; Pheochromocytoma/paraganglioma syndrome 4; Pheochromocytoma. Last evaluated: 2019-08-23. Review status: criteria provided, single submitter. Criteria: Invitae Variant Classification Sherloc (09022015). Collection method: clinical testing. Allele origin: germline.
Comment: Algorithms developed to predict the effect of missense changes on protein structure and function (SIFT, PolyPhen-2, Align-GVGD) all suggest that this variant is likely to be disruptive, but these predictions have not been confirmed by published functional studies and their clinical significance is uncertain. In summary, the available evidence is currently insufficient to determine the role of this variant in disease. Therefore, it has been classified as a Variant of Uncertain Significance. This variant has not been reported in the literature in individuals with SDHB-related conditions. ClinVar contains an entry for this variant (Variation ID: 459157). This variant is not present in population databases (ExAC no frequency). This sequence change replaces cysteine with serine at codon 186 of the SDHB protein (p.Cys186Ser). The cysteine residue is highly conserved and there is a moderate physicochemical difference between cysteine and serine.

NM_003000.3(SDHB):c.557G>C (p.Cys186Ser)

Gene: SDHB (succinate dehydrogenase complex iron sulfur subunit B; minus strand). Cytogenetic location: 1p36.13.
Variant type: single nucleotide variant.
Coding change: c.557G>C on transcript NM_003000.3 (MANE Select); coding-DNA position 557, G replaced by C.
Protein change: p.Cys186Ser; replaces cysteine 186 with serine.
Molecular consequence: missense variant.
Genome position (GRCh38, 1-based): chr1:17,024,058, C>G on the plus strand (G>C on the coding strand, the complement: SDHB is on the minus strand). VCF-style: chr1-17024058-C-G. GRCh37 (hg19) VCF-style: chr1-17350553-C-G.
Other names: short protein forms C186S.
Identifiers: ClinVar variation 459157 (VCV000459157.8), dbSNP rs1553177440, ClinGen allele CA338271376.